The following is an entry in ClinVar:

ClinVar aggregate classification (germline): Uncertain significance (1 of 4 stars; one submission).

Conditions:
Early-infantile DEE. Also called: Ohtahara syndrome; Early infantile epileptic encephalopathy with suppression bursts; Early infantile epileptic encephalopathy. Identifiers: Orphanet 1934, MedGen C0393706, MONDO:0800491.

Submission:

Labcorp Genetics (formerly Invitae), Labcorp
Classification: Uncertain significance for Early-infantile DEE. Last evaluated: 2024-04-16. Review status: criteria provided, single submitter. Criteria: Invitae Variant Classification Sherloc (09022015). Collection method: clinical testing. Allele origin: germline.
Comment: This sequence change replaces lysine, which is basic and polar, with glutamine, which is neutral and polar, at codon 6 of the HCN1 protein (p.Lys6Gln). This variant is not present in population databases (gnomAD no frequency). This variant has not been reported in the literature in individuals affected with HCN1-related conditions. Advanced modeling of protein sequence and biophysical properties (such as structural, functional, and spatial information, amino acid conservation, physicochemical variation, residue mobility, and thermodynamic stability) performed at Invitae indicates that this missense variant is not expected to disrupt HCN1 protein function with a negative predictive value of 95%. In summary, the available evidence is currently insufficient to determine the role of this variant in disease. Therefore, it has been classified as a Variant of Uncertain Significance.

NM_021072.4(HCN1):c.16A>C (p.Lys6Gln)

Gene: HCN1 (hyperpolarization activated cyclic nucleotide gated potassium channel 1; minus strand). Cytogenetic location: 5p12.
Variant type: single nucleotide variant.
Coding change: c.16A>C on transcript NM_021072.4 (MANE Select); coding-DNA position 16, A replaced by C.
Protein change: p.Lys6Gln; replaces lysine 6 with glutamine.
Molecular consequence: missense variant.
Genome position (GRCh38, 1-based): chr5:45,696,078, T>G on the plus strand (A>C on the coding strand, the complement: HCN1 is on the minus strand). VCF-style: chr5-45696078-T-G. GRCh37 (hg19) VCF-style: chr5-45696180-T-G.
Other names: short protein forms K6Q.
Identifiers: ClinVar variation 3679018 (VCV003679018.2).